The following is an entry in ClinVar:

NM_001042492.3(NF1):c.3472G>A (p.Asp1158Asn)

Gene: NF1 (neurofibromin 1; plus strand). Cytogenetic location: 17q11.2.
Variant type: single nucleotide variant.
Coding change: c.3472G>A on transcript NM_001042492.3 (MANE Select); coding-DNA position 3472, G replaced by A.
Protein change: p.Asp1158Asn; replaces aspartic acid 1158 with asparagine.
Molecular consequence: missense variant.
Genome position (GRCh38, 1-based): chr17:31,232,857, G>A. VCF-style: chr17-31232857-G-A. GRCh37 (hg19) VCF-style: chr17-29559875-G-A.
Other names: c.3472G>A, p.Asp1158Asn (NM_000267.4); short protein forms D1158N.
Identifiers: ClinVar variation 1502158 (VCV001502158.6), dbSNP rs2151434821, ClinGen allele CA398989401.

ClinVar aggregate classification (germline): Uncertain significance (1 of 4 stars; one submission).

Conditions:
Neurofibromatosis, type 1 (NF1). Also called: VON RECKLINGHAUSEN DISEASE; NEUROFIBROMATOSIS, TYPE I, SOMATIC; Peripheral type neurofibromatosis; Neurofibromatosis, type I. Identifiers: Orphanet 636, MedGen C0027831, MONDO:0018975, OMIM 162200. Disease mechanism: loss of function.

Submission:

Labcorp Genetics (formerly Invitae), Labcorp
Classification: Uncertain significance for Neurofibromatosis, type 1. Last evaluated: 2021-10-21. Review status: criteria provided, single submitter. Criteria: Invitae Variant Classification Sherloc (09022015). Collection method: clinical testing. Allele origin: germline.
Comment: In summary, the available evidence is currently insufficient to determine the role of this variant in disease. Therefore, it has been classified as a Variant of Uncertain Significance. Advanced modeling of protein sequence and biophysical properties (such as structural, functional, and spatial information, amino acid conservation, physicochemical variation, residue mobility, and thermodynamic stability) performed at Invitae indicates that this missense variant is expected to disrupt NF1 protein function. This variant has not been reported in the literature in individuals with NF1-related conditions. This variant is not present in population databases (ExAC no frequency). This sequence change replaces aspartic acid with asparagine at codon 1158 of the NF1 protein (p.Asp1158Asn). The aspartic acid residue is moderately conserved and there is a small physicochemical difference between aspartic acid and asparagine.